The following is an entry in ClinVar:

NM_002439.5(MSH3):c.2035del (p.Leu679fs)

Gene: MSH3 (mutS homolog 3; plus strand). Cytogenetic location: 5q14.1.
Variant type: Deletion.
Coding change: c.2035del on transcript NM_002439.5 (MANE Select); coding-DNA position 2035, one base deleted (C; older notation c.2035delC).
Protein change: p.Leu679fs; shifts the reading frame from leucine 679.
Molecular consequence: frameshift variant.
Genome position (GRCh38, 1-based): chr5:80,768,071, C deleted; the last of 2 consecutive C bases (chr5:80,768,070-80,768,071); deleting either gives the same sequence. VCF-style (leftmost placement, unchanged base first): chr5-80768069-TC-T. GRCh37 (hg19) VCF-style: chr5-80063888-TC-T.
Other names: short protein forms L679fs.
Identifiers: ClinVar variation 3723238 (VCV003723238.2).

ClinVar aggregate classification (germline): Pathogenic (1 of 4 stars; one submission).

Submission:

Labcorp Genetics (formerly Invitae), Labcorp
Classification: Pathogenic. Last evaluated: 2024-10-18. Review status: criteria provided, single submitter. Criteria: Invitae Variant Classification Sherloc (09022015). Collection method: clinical testing. Allele origin: germline.
Comment: This sequence change creates a premature translational stop signal (p.Leu679Serfs*8) in the MSH3 gene. It is expected to result in an absent or disrupted protein product. Loss-of-function variants in MSH3 are known to be pathogenic (PMID: 27476653, 37402566). This variant is not present in population databases (gnomAD no frequency). This variant has not been reported in the literature in individuals affected with MSH3-related conditions. For these reasons, this variant has been classified as Pathogenic.

Literature cited by the submitters: PubMed 27476653; PubMed 37402566.